The following is an entry in ClinVar:

NM_152722.5(HEPACAM):c.566A>G (p.Asn189Ser)

Gene: HEPACAM (hepatic and glial cell adhesion molecule; minus strand). Cytogenetic location: 11q24.2.
Variant type: single nucleotide variant.
Coding change: c.566A>G on transcript NM_152722.5 (MANE Select); coding-DNA position 566, A replaced by G.
Protein change: p.Asn189Ser; replaces asparagine 189 with serine.
Molecular consequence: missense variant.
Genome position (GRCh38, 1-based): chr11:124,923,872, T>C on the plus strand (A>G on the coding strand, the complement: HEPACAM is on the minus strand). VCF-style: chr11-124923872-T-C. GRCh37 (hg19) VCF-style: chr11-124793768-T-C.
Other names: c.566A>G, p.Asn189Ser (NM_001411043.1, NM_001441320.1); short protein forms N189S.
Identifiers: ClinVar variation 4858338 (VCV004858338.1).

ClinVar aggregate classification (germline): Uncertain significance (1 of 4 stars; one submission).

Conditions:
Inborn genetic diseases. Identifiers: MedGen C0950123, MeSH D030342.

Submission:

Ambry Genetics
Classification: Uncertain significance for Inborn genetic diseases. Last evaluated: 2026-03-31. Review status: criteria provided, single submitter. Criteria: Ambry Variant Classification Scheme 2023. Collection method: clinical testing. Allele origin: germline.
Comment: The c.566A>G (p.N189S) alteration is located in exon 3 (coding exon 3) of the HEPACAM gene. This alteration results from a A to G substitution at nucleotide position 566, causing the asparagine (N) at amino acid position 189 to be replaced by a serine (S). Based on data from gnomAD, the G allele has an overall frequency of <0.001% (1/251188) total alleles studied. The highest observed frequency was 0.001% (1/113660) of European (non-Finnish) alleles. Based on insufficient or conflicting evidence, the clinical significance of this alteration remains unclear.